The following is an entry in ClinVar:

ClinVar aggregate classification (germline): Uncertain significance (1 of 4 stars; one submission).

Allele frequency attached by ClinVar (database versions not stated): gnomAD exomes 0.00001; TOPMed 0.00001.
gnomAD v4.1: 17 of 1,614,012 alleles (0.0011%); highest among the groups gnomAD compares: Admixed American, 0.0033%; no homozygotes.

Submission:

Labcorp Genetics (formerly Invitae), Labcorp
Classification: Uncertain significance. Last evaluated: 2022-08-16. Review status: criteria provided, single submitter. Criteria: Invitae Variant Classification Sherloc (09022015). Collection method: clinical testing. Allele origin: germline.
Comment: This variant has not been reported in the literature in individuals affected with PRPF6-related conditions. ClinVar contains an entry for this variant (Variation ID: 1485445). Algorithms developed to predict the effect of sequence changes on RNA splicing suggest that this variant is not likely to affect RNA splicing. In summary, the available evidence is currently insufficient to determine the role of this variant in disease. Therefore, it has been classified as a Variant of Uncertain Significance. This sequence change affects codon 24 of the PRPF6 mRNA. It is a 'silent' change, meaning that it does not change the encoded amino acid sequence of the PRPF6 protein. It affects a nucleotide within the consensus splice site. This variant is not present in population databases (gnomAD no frequency).

NM_012469.4(PRPF6):c.72C>T (p.Gly24=)

Gene: PRPF6 (pre-mRNA processing factor 6; plus strand). Cytogenetic location: 20q13.33.
Variant type: single nucleotide variant.
Coding change: c.72C>T on transcript NM_012469.4 (MANE Select); coding-DNA position 72, C replaced by T.
Protein change: p.Gly24=; no amino-acid change (glycine 24 retained).
Molecular consequence: synonymous variant.
Genome position (GRCh38, 1-based): chr20:63,983,047, C>T. VCF-style: chr20-63983047-C-T. GRCh37 (hg19) VCF-style: chr20-62614400-C-T.
Identifiers: ClinVar variation 1485445 (VCV001485445.6), dbSNP rs774832670, ClinGen allele CA317569093.